The following is an entry in ClinVar:

ClinVar aggregate classification (germline): Benign (1 of 4 stars; one submission).

Allele frequency attached by ClinVar (database versions not stated): TOPMed 0.00001; gnomAD 0.00001.

Submission:

GeneDx
Classification: Benign. Last evaluated: 2013-02-01. Review status: criteria provided, single submitter. Criteria: GeneDx Variant Classification (06012015). Collection method: clinical testing. Allele origin: germline. Affected: yes.
Comment: This variant is considered likely benign or benign based on one or more of the following criteria: it is a conservative change, it occurs at a poorly conserved position in the protein, it is predicted to be benign by multiple in silico algorithms, and/or has population frequency not consistent with disease.

NM_001127644.2(GABRA1):c.-257T>C

Gene: GABRA1 (gamma-aminobutyric acid type A receptor subunit alpha1; plus strand). Cytogenetic location: 5q34.
Variant type: single nucleotide variant.
Coding change: c.-257T>C on transcript NM_001127644.2 (MANE Select); 257 bases upstream of the start codon, T replaced by C.
Molecular consequence: 5 prime UTR variant. On other transcripts: intron variant (2).
Genome position (GRCh38, 1-based): chr5:161,848,181, T>C. VCF-style: chr5-161848181-T-C. GRCh37 (hg19) VCF-style: chr5-161275187-T-C.
Other names: c.-247-10T>C (NM_000806.5, NM_001127643.2).
Identifiers: ClinVar variation 137406 (VCV000137406.3), dbSNP rs587780946, ClinGen allele CA290969.